The following is an entry in ClinVar:

ClinVar aggregate classification (germline): Uncertain significance (1 of 4 stars; one submission).

Allele frequency attached by ClinVar (database versions not stated): gnomAD exomes below 0.00001; TOPMed below 0.00001.
gnomAD v4.1: 6 of 1,609,972 alleles (0.00037%); highest among the groups gnomAD compares: Non-Finnish European, 0.00042%; no homozygotes.

Submission:

Labcorp Genetics (formerly Invitae), Labcorp
Classification: Uncertain significance. Last evaluated: 2023-12-11. Review status: criteria provided, single submitter. Criteria: Invitae Variant Classification Sherloc (09022015). Collection method: clinical testing. Allele origin: germline.
Comment: This sequence change replaces arginine, which is basic and polar, with glutamine, which is neutral and polar, at codon 625 of the ATP8A2 protein (p.Arg625Gln). This variant is not present in population databases (gnomAD no frequency). This missense change has been observed in individual(s) with clinical features of cerebellar ataxia, mental retardation and dysequilibrium syndrome (CAMRQ) (PMID: 33098801, 35872528; Invitae). ClinVar contains an entry for this variant (Variation ID: 1921403). Advanced modeling of protein sequence and biophysical properties (such as structural, functional, and spatial information, amino acid conservation, physicochemical variation, residue mobility, and thermodynamic stability) performed at Invitae indicates that this missense variant is expected to disrupt ATP8A2 protein function with a positive predictive value of 80%. This variant disrupts the p.Arg625 amino acid residue in ATP8A2. Other variant(s) that disrupt this residue have been observed in individuals with ATP8A2-related conditions (PMID: 27679995), which suggests that this may be a clinically significant amino acid residue. In summary, the available evidence is currently insufficient to determine the role of this variant in disease. Therefore, it has been classified as a Variant of Uncertain Significance.

Literature cited by the submitters: PubMed 33098801; PubMed 35872528; PubMed 27679995.

NM_016529.6(ATP8A2):c.1874G>A (p.Arg625Gln)

Gene: ATP8A2 (ATPase phospholipid transporting 8A2). Cytogenetic location: 13q12.13.
Variant type: single nucleotide variant.
Coding change: c.1874G>A on transcript NM_016529.6 (MANE Select); coding-DNA position 1874, G replaced by A.
Protein change: p.Arg625Gln; replaces arginine 625 with glutamine.
Molecular consequence: missense variant.
Genome position (GRCh38, 1-based): chr13:25,579,814, G>A. VCF-style: chr13-25579814-G-A. GRCh37 (hg19) VCF-style: chr13-26153952-G-A.
Other names: c.1754G>A, p.Arg585Gln (NM_001313741.1); c.1874G>A, p.Arg625Gln (NM_001411005.1, NM_001411006.1); short protein forms R585Q, R625Q.
Identifiers: ClinVar variation 1921403 (VCV001921403.3), dbSNP rs758066645, ClinGen allele CA387615119.